The following is an entry in ClinVar:

ClinVar aggregate classification (germline): Conflicting classifications of pathogenicity. Review status: criteria provided, conflicting classifications (1 of 4 stars). 3 submissions from 3 submitters: Uncertain significance (2); Likely benign (1). Last evaluated 2025-02-22.

Conditions:
Inborn genetic diseases. Identifiers: MedGen C0950123, MeSH D030342.

Allele frequency attached by ClinVar (database versions not stated): gnomAD 0.00002 and 0.00003; TOPMed 0.00002; ExAC 0.00004; gnomAD exomes 0.00004 and 0.00007; ESP Exome Variant Server 0.00008.
gnomAD v4.1: 106 of 1,613,000 alleles (0.0066%); highest among the groups gnomAD compares: Non-Finnish European, 0.0078%; 1 homozygote.

Submissions (3):

Ambry Genetics
Classification: Uncertain significance for Inborn genetic diseases. Last evaluated: 2025-02-22. Review status: criteria provided, single submitter. Criteria: Ambry Variant Classification Scheme 2023. Collection method: clinical testing. Allele origin: germline.

Labcorp Genetics (formerly Invitae), Labcorp
Classification: Uncertain significance. Last evaluated: 2024-09-14. Review status: criteria provided, single submitter. Criteria: Invitae Variant Classification Sherloc (09022015). Collection method: clinical testing. Allele origin: germline.
Comment: This sequence change replaces arginine, which is basic and polar, with histidine, which is basic and polar, at codon 151 of the TTBK2 protein (p.Arg151His). This variant is present in population databases (rs375070421, gnomAD 0.01%). This variant has not been reported in the literature in individuals affected with TTBK2-related conditions. ClinVar contains an entry for this variant (Variation ID: 805623). Invitae Evidence Modeling of protein sequence and biophysical properties (such as structural, functional, and spatial information, amino acid conservation, physicochemical variation, residue mobility, and thermodynamic stability) indicates that this missense variant is expected to disrupt TTBK2 protein function with a positive predictive value of 80%. In summary, the available evidence is currently insufficient to determine the role of this variant in disease. Therefore, it has been classified as a Variant of Uncertain Significance.

Athena Diagnostics
Classification: Likely benign. Last evaluated: 2021-05-07. Review status: criteria provided, single submitter. Criteria: Athena Diagnostics criteria. Collection method: clinical testing. Allele origin: unknown.

NM_173500.4(TTBK2):c.452G>A (p.Arg151His)

Gene: TTBK2 (tau tubulin kinase 2; minus strand). Cytogenetic location: 15q15.2.
Variant type: single nucleotide variant.
Coding change: c.452G>A on transcript NM_173500.4 (MANE Select); coding-DNA position 452, G replaced by A.
Protein change: p.Arg151His; replaces arginine 151 with histidine.
Molecular consequence: missense variant.
Genome position (GRCh38, 1-based): chr15:42,828,013, C>T on the plus strand (G>A on the coding strand, the complement: TTBK2 is on the minus strand). VCF-style: chr15-42828013-C-T. GRCh37 (hg19) VCF-style: chr15-43120211-C-T.
Other names: short protein forms R151H.
Identifiers: ClinVar variation 805623 (VCV000805623.6), dbSNP rs375070421, ClinGen allele CA7517473.